The following is an entry in ClinVar:

ClinVar aggregate classification (germline): Likely pathogenic (1 of 4 stars; one submission).

Conditions:
Ataxia-telangiectasia syndrome (AT). Also called: Cerebello-oculocutaneous telangiectasia; Immunodeficiency with ataxia telangiectasia; Ataxia-telangiectasia; AT, COMPLEMENTATION GROUP C; Ataxia telangiectasia (A-T); LOUIS-BAR SYNDROME. Identifiers: Orphanet 100, MedGen C0004135, MONDO:0008840, OMIM 208900.

Submission:

Labcorp Genetics (formerly Invitae), Labcorp
Classification: Likely pathogenic for Ataxia-telangiectasia syndrome. Last evaluated: 2021-10-23. Review status: criteria provided, single submitter. Criteria: Invitae Variant Classification Sherloc (09022015). Collection method: clinical testing. Allele origin: germline.
Comment: In summary, the currently available evidence indicates that the variant is pathogenic, but additional data are needed to prove that conclusively. Therefore, this variant has been classified as Likely Pathogenic. This variant has not been reported in the literature in individuals affected with ATM-related conditions. This variant results in a copy number gain of the genomic region encompassing exon(s) 40-61 of the ATM gene. While the exact position of this variant cannot be determined from the data, sub-genic copy number gains are generally in tandem (PMID: 25640679). This variant is predicted to be out-of-frame, and may result in an absent or disrupted protein product. Loss-of-function variants in ATM are known to be pathogenic (PMID: 23807571, 25614872).

Literature cited by the submitters: PubMed 25640679; PubMed 23807571; PubMed 25614872.

NC_000011.9:g.(?_108183089)_(108225611_?)dup

Gene: ATM (ATM serine/threonine kinase; plus strand). Cytogenetic location: 11q22.3.
Variant type: Duplication.
Identifiers: ClinVar variation 2422224 (VCV002422224.4).